The following is an entry in ClinVar:

NM_000179.3(MSH6):c.3263T>A (p.Phe1088Tyr)

Gene: MSH6 (mutS homolog 6; plus strand). Cytogenetic location: 2p16.3.
Variant type: single nucleotide variant.
Coding change: c.3263T>A on transcript NM_000179.3 (MANE Select); coding-DNA position 3263, T replaced by A.
Protein change: p.Phe1088Tyr; replaces phenylalanine 1088 with tyrosine.
Molecular consequence: missense variant.
Genome position (GRCh38, 1-based): chr2:47,803,510, T>A. VCF-style: chr2-47803510-T-A. GRCh37 (hg19) VCF-style: chr2-48030649-T-A.
Other names: c.2873T>A, p.Phe958Tyr (NM_001281492.2); c.2357T>A, p.Phe786Tyr (NM_001281493.2, NM_001281494.2); short protein forms F1088Y, F786Y, F958Y.
Identifiers: ClinVar variation 1332189 (VCV001332189.9), dbSNP rs775248712, ClinGen allele CA346758160.
Genomic context (GRCh38, chr2:47,803,510, plus strand): 5'-GAGGGGGTGATGGTCCTATGTGTCGCCCAGTAATTCTGTTGCCGGAAGATACCCCCCCCT[T>A]CTTAGAGCTTAAAGGATCACGCCATCCTTGCATTACGAAGACTTTTTTTGGAGATGATTT-3'
Protein context (NP_000170.1, residues 1078-1098): VILLPEDTPP[Phe1088Tyr]LELKGSRHPC

ClinVar aggregate classification (germline): Uncertain significance. Review status: criteria provided, multiple submitters, no conflicts (2 of 4 stars). 4 submissions from 4 submitters: Uncertain significance (4). Last evaluated 2025-03-19.

Conditions:
Lynch syndrome. Identifiers: Orphanet 144, MedGen C4552100, MONDO:0005835. Disease mechanism: loss of function.
Hereditary nonpolyposis colorectal neoplasms. Identifiers: MedGen C0009405, MeSH D003123.
Hereditary cancer-predisposing syndrome. Also called: Tumor predisposition; Hereditary Cancer Syndrome; Neoplastic Syndromes, Hereditary; Hereditary neoplastic syndrome. Identifiers: Orphanet 140162, MedGen C0027672, MeSH D009386, MONDO:0015356.

Submissions (4):

Labcorp Genetics (formerly Invitae), Labcorp
Classification: Uncertain significance for Hereditary nonpolyposis colorectal neoplasms. Last evaluated: 2025-03-19. Review status: criteria provided, single submitter. Criteria: Invitae Variant Classification Sherloc (09022015). Collection method: clinical testing. Allele origin: germline.
Comment: This sequence change replaces phenylalanine, which is neutral and non-polar, with tyrosine, which is neutral and polar, at codon 1088 of the MSH6 protein (p.Phe1088Tyr). This variant is not present in population databases (gnomAD no frequency). This variant has not been reported in the literature in individuals affected with MSH6-related conditions. ClinVar contains an entry for this variant (Variation ID: 1332189). Invitae Evidence Modeling of protein sequence and biophysical properties (such as structural, functional, and spatial information, amino acid conservation, physicochemical variation, residue mobility, and thermodynamic stability) indicates that this missense variant is not expected to disrupt MSH6 protein function with a negative predictive value of 95%. In summary, the available evidence is currently insufficient to determine the role of this variant in disease. Therefore, it has been classified as a Variant of Uncertain Significance.

Ambry Genetics
Classification: Uncertain significance for Hereditary cancer-predisposing syndrome. Last evaluated: 2024-10-18. Review status: criteria provided, single submitter. Criteria: Ambry Variant Classification Scheme 2023. Collection method: clinical testing. Allele origin: germline.
Comment: The p.F1088Y variant (also known as c.3263T>A), located in coding exon 5 of the MSH6 gene, results from a T to A substitution at nucleotide position 3263. The phenylalanine at codon 1088 is replaced by tyrosine, an amino acid with highly similar properties. This amino acid position is highly conserved in available vertebrate species. In addition, the in silico prediction for this alteration is inconclusive. Based on the available evidence, the clinical significance of this variant remains unclear.

All of Us Research Program, National Institutes of Health
Classification: Uncertain significance for Lynch syndrome. Last evaluated: 2024-09-23. Review status: criteria provided, single submitter. Criteria: ACMG Guidelines, 2015. Collection method: clinical testing. Allele origin: germline. Inheritance: Autosomal dominant inheritance. Observed: 1 variant allele, 1 heterozygote.
Comment: This missense variant replaces phenylalanine with tyrosine at codon 1088 of the MSH6 protein. Computational prediction is inconclusive regarding the impact of this variant on protein structure and function (internally defined REVEL score threshold 0.5 < inconclusive < 0.7, PMID: 27666373). To our knowledge, functional studies have not been reported for this variant. This variant has not been reported in individuals affected with hereditary cancer in the literature. This variant has not been identified in the general population by the Genome Aggregation Database (gnomAD). The available evidence is insufficient to determine the role of this variant in disease conclusively. Therefore, this variant is classified as a Variant of Uncertain Significance.

This study involves interpretation of variants in research participants for the purpose of population health screening. Participant phenotype was not available at the time of variant classification. Additional details can be found in publication PMID: 35346344, PMCID: PMC8962531

Color Diagnostics, LLC DBA Color Health
Classification: Uncertain significance for Hereditary cancer-predisposing syndrome. Last evaluated: 2021-03-15. Review status: criteria provided, single submitter. Criteria: ACMG Guidelines, 2015. Collection method: clinical testing. Allele origin: germline.
Comment: This missense variant replaces phenylalanine with tyrosine at codon 1088 of the MSH6 protein. Computational prediction is inconclusive regarding the impact of this variant on protein structure and function (internally defined REVEL score threshold 0.5 < inconclusive < 0.7, PMID: 27666373). To our knowledge, functional studies have not been reported for this variant. This variant has not been reported in individuals affected with hereditary cancer in the literature. This variant has not been identified in the general population by the Genome Aggregation Database (gnomAD). The available evidence is insufficient to determine the role of this variant in disease conclusively. Therefore, this variant is classified as a Variant of Uncertain Significance.